The following is an entry in ClinVar:

ClinVar aggregate classification (germline): Likely benign. Review status: criteria provided, multiple submitters, no conflicts (2 of 4 stars). 2 submissions from 2 submitters: Likely benign (2). Last evaluated 2026-02-01.

Conditions:
Emery-Dreifuss muscular dystrophy 4, autosomal dominant (EDMD4). Also called: EMERY-DREIFUSS MUSCULAR DYSTROPHY 4 WITH VARIABLE FEATURES. Identifiers: Orphanet 261, MedGen C2751807, MONDO:0013071, OMIM 612998.
Autosomal recessive ataxia, Beauce type. Also called: ATAXIA, RECESSIVE, OF BEAUCE; Spinocerebellar ataxia, autosomal recessive 8; SYNE1-Related Autosomal Recessive Cerebellar Ataxia; SYNE1 Deficiency. Identifiers: Orphanet 88644, MedGen C1853116, MONDO:0012549, OMIM 610743.

Allele frequency attached by ClinVar (database versions not stated): gnomAD exomes below 0.00001.
gnomAD v4.1: 6 of 1,612,824 alleles (0.00037%); highest among the groups gnomAD compares: Non-Finnish European, 0.00051%; no homozygotes.

Submissions (2):

CeGaT Center for Human Genetics Tuebingen
Classification: Likely benign. Last evaluated: 2026-02-01. Review status: criteria provided, single submitter. Criteria: CeGaT Center For Human Genetics Tuebingen Variant Classification Criteria Version 2. Collection method: clinical testing. Allele origin: germline. Affected: yes. Observed: 1 variant allele.
Comment: SYNE1: BP4, BP7

Labcorp Genetics (formerly Invitae), Labcorp
Classification: Likely benign for Emery-Dreifuss muscular dystrophy 4, autosomal dominant; Autosomal recessive ataxia, Beauce type. Last evaluated: 2022-09-30. Review status: criteria provided, single submitter. Criteria: Invitae Variant Classification Sherloc (09022015). Collection method: clinical testing. Allele origin: germline.

NM_182961.4(SYNE1):c.1680C>T (p.Tyr560=)

Gene: SYNE1 (spectrin repeat containing nuclear envelope protein 1; minus strand). Cytogenetic location: 6q25.2.
Variant type: single nucleotide variant.
Coding change: c.1680C>T on transcript NM_182961.4 (MANE Select); coding-DNA position 1680, C replaced by T.
Protein change: p.Tyr560=; no amino-acid change (tyrosine 560 retained).
Molecular consequence: synonymous variant.
Genome position (GRCh38, 1-based): chr6:152,466,031, G>A on the plus strand (C>T on the coding strand, the complement: SYNE1 is on the minus strand). VCF-style: chr6-152466031-G-A. GRCh37 (hg19) VCF-style: chr6-152787166-G-A.
Other names: c.1701C>T, p.Tyr567= (NM_033071.5).
Identifiers: ClinVar variation 2926224 (VCV002926224.7), dbSNP rs2098764555, ClinGen allele CA452755046.